The following is an entry in ClinVar:

ClinVar aggregate classification (germline): Uncertain significance (1 of 4 stars; one submission).

Submission:

GeneDx
Classification: Uncertain significance. Last evaluated: 2019-11-18. Review status: criteria provided, single submitter. Criteria: GeneDx Variant Classification Process June 2021. Collection method: clinical testing. Allele origin: germline. Affected: yes.
Comment: Not observed in large population cohorts (Lek et al., 2016); In silico analysis, which includes protein predictors and evolutionary conservation, supports a deleterious effect; Has not been previously published as pathogenic or benign to our knowledge

NM_000021.4(PSEN1):c.221C>T (p.Thr74Ile)

Gene: PSEN1 (presenilin 1; plus strand). Cytogenetic location: 14q24.2.
Variant type: single nucleotide variant.
Coding change: c.221C>T on transcript NM_000021.4 (MANE Select); coding-DNA position 221, C replaced by T.
Protein change: p.Thr74Ile; replaces threonine 74 with isoleucine.
Molecular consequence: missense variant.
Genome position (GRCh38, 1-based): chr14:73,170,930, C>T. VCF-style: chr14-73170930-C-T. GRCh37 (hg19) VCF-style: chr14-73637638-C-T.
Other names: c.209C>T, p.Thr70Ile (NM_007318.3); short protein forms T70I, T74I.
Identifiers: ClinVar variation 1315928 (VCV001315928.2), dbSNP rs2140036934, ClinGen allele CA390303037.
Genomic context (GRCh38, chr14:73,170,930, plus strand): 5'-GACCCCAGGGTAACTCCCGGCAGGTGGTGGAGCAAGATGAGGAAGAAGATGAGGAGCTGA[C>T]ATTGAAATATGGCGCCAAGCATGTGATCATGCTCTTTGTCCCTGTGACTCTCTGCATGGT-3'
Protein context (NP_000012.1, residues 64-84): EQDEEEDEEL[Thr74Ile]LKYGAKHVIM